The following is an entry in ClinVar:

ClinVar aggregate classification (germline): Uncertain significance (1 of 4 stars; one submission).

Allele frequency attached by ClinVar (database versions not stated): TOPMed 0.00001.

Submission:

GeneDx
Classification: Uncertain significance. Last evaluated: 2020-11-02. Review status: criteria provided, single submitter. Criteria: GeneDx Variant Classification Process June 2021. Collection method: clinical testing. Allele origin: germline. Affected: yes.
Comment: Not observed in large population cohorts (Lek et al., 2016); Has not been previously published as pathogenic or benign to our knowledge

NM_001287491.2(TET3):c.5266C>G (p.Gln1756Glu)

Gene: TET3 (tet methylcytosine dioxygenase 3; plus strand). Cytogenetic location: 2p13.1.
Variant type: single nucleotide variant.
Coding change: c.5266C>G on transcript NM_001287491.2 (MANE Select); coding-DNA position 5266, C replaced by G.
Protein change: p.Gln1756Glu; replaces glutamine 1756 with glutamic acid.
Molecular consequence: missense variant.
Genome position (GRCh38, 1-based): chr2:74,102,054, C>G. VCF-style: chr2-74102054-C-G. GRCh37 (hg19) VCF-style: chr2-74329181-C-G.
Other names: c.4987C>G, p.Gln1663Glu (NM_001366022.1); short protein forms Q1663E, Q1756E.
Identifiers: ClinVar variation 1313608 (VCV001313608.2), dbSNP rs1389497450, ClinGen allele CA347324614.